The following is an entry in ClinVar:

ClinVar aggregate classification (germline): Likely benign (0 of 4 stars; one submission).

Conditions:
IBA57-related disorder. Also called: IBA57-related condition.

gnomAD v4.1: 4 of 1,574,238 alleles (0.00025%); no homozygotes.

Submission:

PreventionGenetics, part of Exact Sciences
Classification: Likely benign for IBA57-related condition. Last evaluated: 2019-03-18. Review status: no assertion criteria provided. Collection method: clinical testing. Allele origin: germline.
Comment: This variant is classified as likely benign based on ACMG/AMP sequence variant interpretation guidelines (Richards et al. 2015 PMID: 25741868, with internal and published modifications).

NM_001010867.4(IBA57):c.357G>T (p.Ser119=)

Gene: IBA57 (iron-sulfur cluster assembly factor IBA57; plus strand). Cytogenetic location: 1q42.13.
Variant type: single nucleotide variant.
Coding change: c.357G>T on transcript NM_001010867.4 (MANE Select); coding-DNA position 357, G replaced by T.
Protein change: p.Ser119=; no amino-acid change (serine 119 retained).
Molecular consequence: synonymous variant. On other transcripts: 5 prime UTR variant (1).
Genome position (GRCh38, 1-based): chr1:228,174,707, G>T. VCF-style: chr1-228174707-G-T. GRCh37 (hg19) VCF-style: chr1-228362408-G-T.
Other names: c.-223G>T (NM_001310327.2).
Identifiers: ClinVar variation 3058047 (VCV003058047.2), dbSNP rs2034979994, ClinGen allele CA423547738.
Genomic context (GRCh38, chr1:228,174,707, plus strand): 5'-ACTCAGTTGGTGAGCTGCCATGCGCCCCTGCCTCTCTCCCTGCAGGCTCCAGGAACACTC[G>T]GAGGTGTCTGGCTTCCTTCTGGAGTGTGACAGCTCGGTGCAGGGCGCGCTGCAGAAGCAC-3'
Protein context (NP_001010867.1, residues 109-129): DVILYGLQEH[Ser119=]EVSGFLLECD